The following is an entry in ClinVar:

ClinVar aggregate classification (germline): Uncertain significance (1 of 4 stars; one submission).

Conditions:
Catecholaminergic polymorphic ventricular tachycardia (CVPT). Also called: Catecholamine-induced polymorphic ventricular tachycardia. Identifiers: Orphanet 3286, MedGen C5574922, MONDO:0017990.

Submission:

All of Us Research Program, National Institutes of Health
Classification: Uncertain significance for Catecholaminergic polymorphic ventricular tachycardia. Last evaluated: 2023-10-06. Review status: criteria provided, single submitter. Criteria: ACMG Guidelines, 2015. Collection method: clinical testing. Allele origin: germline. Inheritance: Autosomal dominant inheritance. Observed: 1 variant allele, 1 heterozygote.
Comment: This variant causes a deletion of 4 nucleotides from the C-terminal end of exon 75 and 6 nucleotides from the beginning of intron 75 of the RYR2 gene. To our knowledge, functional studies have not been reported for this variant. This variant has not been reported in individuals affected with RYR2-related disorders in the literature. This variant has not been identified in the general population by the Genome Aggregation Database (gnomAD). The available evidence is insufficient to determine the role of this variant in disease conclusively. Therefore, this variant is classified as a Variant of Uncertain Significance.

This study involves interpretation of variants in research participants for the purpose of population health screening. Participant phenotype was not available at the time of variant classification. Additional details can be found in publication PMID: 35346344, PMCID: PMC8962531

NM_001035.3(RYR2):c.10722_10725+6del

Gene: RYR2 (ryanodine receptor 2; plus strand). Cytogenetic location: 1q43.
Variant type: Deletion.
Coding change: c.10722_10725+6del on transcript NM_001035.3 (MANE Select); coding-DNA position 10722 through 6 bases into the intron after coding-DNA position 10725, 10 bases deleted (TCTGGGAAGT; older notation c.10722_10725+6delTCTGGGAAGT).
Molecular consequence: splice donor variant.
Genome position (GRCh38, 1-based): chr1:237,726,305-237,726,314, TCTGGGAAGT deleted. VCF-style (leftmost placement, unchanged base first): chr1-237726304-GTCTGGGAAGT-G. GRCh37 (hg19) VCF-style: chr1-237889604-GTCTGGGAAGT-G.
Identifiers: ClinVar variation 3073851 (VCV003073851.1), dbSNP rs2526985235, ClinGen allele CA2825000934.